The following is an entry in ClinVar:

NM_001365999.1(SZT2):c.7871A>C (p.Gln2624Pro)

Gene: SZT2 (SZT2 subunit of KICSTOR complex; plus strand). Cytogenetic location: 1p34.2.
Variant type: single nucleotide variant.
Coding change: c.7871A>C on transcript NM_001365999.1 (MANE Select); coding-DNA position 7871, A replaced by C.
Protein change: p.Gln2624Pro; replaces glutamine 2624 with proline.
Molecular consequence: missense variant.
Genome position (GRCh38, 1-based): chr1:43,442,128, A>C. VCF-style: chr1-43442128-A-C. GRCh37 (hg19) VCF-style: chr1-43907799-A-C.
Other names: c.7700A>C, p.Gln2567Pro (NM_015284.4); short protein forms Q2567P, Q2624P.
Identifiers: ClinVar variation 1477597 (VCV001477597.8), dbSNP rs2153935878, ClinGen allele CA340036438.

ClinVar aggregate classification (germline): Uncertain significance (1 of 4 stars; one submission).

Submission:

Labcorp Genetics (formerly Invitae), Labcorp
Classification: Uncertain significance. Last evaluated: 2021-01-15. Review status: criteria provided, single submitter. Criteria: Invitae Variant Classification Sherloc (09022015). Collection method: clinical testing. Allele origin: germline.
Comment: In summary, the available evidence is currently insufficient to determine the role of this variant in disease. Therefore, it has been classified as a Variant of Uncertain Significance. Algorithms developed to predict the effect of missense changes on protein structure and function (SIFT, PolyPhen-2, Align-GVGD) all suggest that this variant is likely to be disruptive, but these predictions have not been confirmed by published functional studies and their clinical significance is uncertain. This variant has not been reported in the literature in individuals with SZT2-related conditions. This variant is not present in population databases (ExAC no frequency). This sequence change replaces glutamine with proline at codon 2567 of the SZT2 protein (p.Gln2567Pro). The glutamine residue is highly conserved and there is a moderate physicochemical difference between glutamine and proline.